The following is an entry in ClinVar:

NM_198576.4(AGRN):c.1331A>G (p.Gln444Arg)

Gene: AGRN (agrin; plus strand). Cytogenetic location: 1p36.33.
Variant type: single nucleotide variant.
Coding change: c.1331A>G on transcript NM_198576.4 (MANE Select); coding-DNA position 1331, A replaced by G.
Protein change: p.Gln444Arg; replaces glutamine 444 with arginine.
Molecular consequence: missense variant.
Genome position (GRCh38, 1-based): chr1:1,042,109, A>G. VCF-style: chr1-1042109-A-G. GRCh37 (hg19) VCF-style: chr1-977489-A-G.
Other names: c.1331A>G, p.Gln444Arg (NM_001305275.2); c.1016A>G, p.Gln339Arg (NM_001364727.2); short protein forms Q444R, Q339R.
Identifiers: ClinVar variation 1978663 (VCV001978663.4), dbSNP rs1644961063, ClinGen allele CA337828463.

ClinVar aggregate classification (germline): Uncertain significance (1 of 4 stars; one submission).

Conditions:
Congenital myasthenic syndrome 8. Also called: MYASTHENIC SYNDROME, CONGENITAL, DUE TO AGRIN DEFICIENCY; Myasthenic syndrome, congenital, 8, with pre- and postsynaptic defects. Identifiers: Orphanet 590, MedGen C3808739, MONDO:0014052, OMIM 615120.

Allele frequency attached by ClinVar (database versions not stated): gnomAD exomes 0.00001.
gnomAD v4.1: 3 of 1,602,462 alleles (0.00019%); highest among the groups gnomAD compares: Non-Finnish European, 0.00025%; no homozygotes.

Submission:

Labcorp Genetics (formerly Invitae), Labcorp
Classification: Uncertain significance for Congenital myasthenic syndrome 8. Last evaluated: 2022-02-07. Review status: criteria provided, single submitter. Criteria: Invitae Variant Classification Sherloc (09022015). Collection method: clinical testing. Allele origin: germline.
Comment: In summary, the available evidence is currently insufficient to determine the role of this variant in disease. Therefore, it has been classified as a Variant of Uncertain Significance. Algorithms developed to predict the effect of missense changes on protein structure and function output the following: SIFT: "Tolerated"; PolyPhen-2: "Benign"; Align-GVGD: "Class C0". The arginine amino acid residue is found in multiple mammalian species, which suggests that this missense change does not adversely affect protein function. This variant has not been reported in the literature in individuals affected with AGRN-related conditions. This variant is not present in population databases (gnomAD no frequency). This sequence change replaces glutamine, which is neutral and polar, with arginine, which is basic and polar, at codon 444 of the AGRN protein (p.Gln444Arg).